The following is an entry in ClinVar:

NM_000245.4(MET):c.1527+1G>A

Gene: MET (MET proto-oncogene, receptor tyrosine kinase; plus strand). Cytogenetic location: 7q31.2.
Variant type: single nucleotide variant.
Coding change: c.1527+1G>A on transcript NM_000245.4 (MANE Select); the canonical splice donor site of the intron after coding-DNA position 1527, G replaced by A.
Molecular consequence: splice donor variant.
Genome position (GRCh38, 1-based): chr7:116,740,085, G>A. VCF-style: chr7-116740085-G-A. GRCh37 (hg19) VCF-style: chr7-116380139-G-A.
Other names: c.1527+1G>A (NM_001127500.3, NM_001324401.3); c.237+1G>A (NM_001324402.2).
Identifiers: ClinVar variation 647899 (VCV000647899.8), dbSNP rs1584922241, ClinGen allele CA368974366.

ClinVar aggregate classification (germline): Uncertain significance (1 of 4 stars; one submission).

Conditions:
Renal cell carcinoma. Identifiers: Orphanet 217071, MedGen C0007134, MeSH D002292, MONDO:0005086, HP:0005584.

Submission:

Labcorp Genetics (formerly Invitae), Labcorp
Classification: Uncertain significance for Renal cell carcinoma. Last evaluated: 2018-10-16. Review status: criteria provided, single submitter. Criteria: Invitae Variant Classification Sherloc (09022015). Collection method: clinical testing. Allele origin: germline.
Comment: This variant is not present in population databases (ExAC no frequency). This sequence change affects a donor splice site in intron 4 of the MET gene. It is expected to disrupt RNA splicing and likely results in an absent or disrupted protein product. This variant has not been reported in the literature in individuals with MET-related disease. Algorithms developed to predict the effect of sequence changes on RNA splicing suggest that this variant may disrupt the consensus splice site, but this prediction has not been confirmed by published transcriptional studies. The current clinical and genetic evidence is not sufficient to establish whether loss-of-function variants in MET cause disease. In summary, the available evidence is currently insufficient to determine the role of this variant in disease. Therefore, it has been classified as a Variant of Uncertain Significance.